The following is an entry in ClinVar:

ClinVar aggregate classification (germline): Likely pathogenic (1 of 4 stars; one submission).

Conditions:
Peroxisome biogenesis disorder 4A (Zellweger) (PBD4A). Also called: Zellweger syndrome spectrum (PEX6-related). Identifiers: Orphanet 912, MedGen C3553936, MONDO:0013930, OMIM 614862. Disease mechanism: loss of function.

Submission:

Myriad Genetics, Inc.
Classification: Likely pathogenic for Peroxisome biogenesis disorder 4A (Zellweger). Last evaluated: 2021-12-17. Review status: criteria provided, single submitter. Criteria: Myriad Women's Health Autosomal Recessive and X-Linked Classification Criteria (2021). Collection method: clinical testing. Allele origin: unknown.
Comment: NM_000287.3(PEX6):c.2265_2266ins11(A756Lfs*6) is expected to be pathogenic in the context of peroxisome biogenesis disorder type 4. This variant is predicted to lead to an abnormal or absent protein product due to the creation of a premature termination codon in PEX6, a gene where loss-of-function variants are known to be pathogenic. Please note: this variant was assessed in the context of healthy population screening.

NM_000287.4(PEX6):c.2265_2266insCTCCCCAGCCT (p.Ala756fs)

Gene: PEX6 (peroxisomal biogenesis factor 6; minus strand). Cytogenetic location: 6p21.1.
Variant type: Insertion.
Coding change: c.2265_2266insCTCCCCAGCCT on transcript NM_000287.4 (MANE Select); coding-DNA positions 2265 to 2266, CTCCCCAGCCT inserted.
Protein change: p.Ala756fs; shifts the reading frame from alanine 756.
Molecular consequence: frameshift variant.
Genome position: GRCh38 VCF-style: chr6-42966276-C-CAGGCTGGGGAG. GRCh37 (hg19) VCF-style: chr6-42934014-C-CAGGCTGGGGAG.
Other names: c.2001_2002insCTCCCCAGCCT, p.Ala668fs (NM_001316313.2); short protein forms A668fs, A756fs.
Identifiers: ClinVar variation 1726525 (VCV001726525.2), dbSNP rs2481207781, ClinGen allele CA2580074611.